The following is an entry in ClinVar:

ClinVar aggregate classification (germline): Benign/Likely benign. Review status: criteria provided, multiple submitters, no conflicts (2 of 4 stars). 3 submissions from 3 submitters: Benign (1); Likely benign (2). Last evaluated 2026-01-25.

Conditions:
Tuberous sclerosis 2 (TSC2). Identifiers: Orphanet 805, MedGen C1860707, MONDO:0013199, OMIM 613254.
Hereditary cancer-predisposing syndrome. Also called: Neoplastic Syndromes, Hereditary; Hereditary neoplastic syndrome; Hereditary Cancer Syndrome; Tumor predisposition. Identifiers: Orphanet 140162, MedGen C0027672, MeSH D009386, MONDO:0015356.

Submissions (3):

Labcorp Genetics (formerly Invitae), Labcorp
Classification: Likely benign for Tuberous sclerosis 2. Last evaluated: 2026-01-25. Review status: criteria provided, single submitter. Criteria: Invitae Variant Classification Sherloc (09022015). Collection method: clinical testing. Allele origin: germline.

Myriad Genetics, Inc.
Classification: Benign for Tuberous sclerosis 2. Last evaluated: 2025-06-05. Review status: criteria provided, single submitter. Criteria: Myriad Autosomal Dominant, Autosomal Recessive and X-Linked Classification Criteria (2023). Collection method: clinical testing. Allele origin: unknown.
Comment: This variant is considered benign. This variant is a silent/synonymous amino acid change and it is not expected to impact splicing.

Ambry Genetics
Classification: Likely benign for Hereditary cancer-predisposing syndrome. Last evaluated: 2020-11-16. Review status: criteria provided, single submitter. Criteria: Ambry Variant Classification Scheme 2023. Collection method: clinical testing. Allele origin: germline.

NM_000548.5(TSC2):c.4788C>T (p.Gly1596=)

Gene: TSC2 (TSC complex subunit 2; plus strand). Cytogenetic location: 16p13.3.
Variant type: single nucleotide variant.
Coding change: c.4788C>T on transcript NM_000548.5 (MANE Select); coding-DNA position 4788, C replaced by T.
Protein change: p.Gly1596=; no amino-acid change (glycine 1596 retained).
Molecular consequence: synonymous variant.
Genome position (GRCh38, 1-based): chr16:2,086,318, C>T. VCF-style: chr16-2086318-C-T. GRCh37 (hg19) VCF-style: chr16-2136319-C-T.
Other names: c.4587C>T, p.Gly1529= (NM_001077183.3); c.4719C>T, p.Gly1573= (NM_001114382.3); c.4479C>T, p.Gly1493= (NM_001318827.2); c.4443C>T, p.Gly1481= (NM_001318829.2); c.4056C>T, p.Gly1352= (NM_001318831.2); c.4620C>T, p.Gly1540= (NM_001318832.2); c.4590C>T, p.Gly1530= (NM_001363528.2); c.4656C>T, p.Gly1552= (NM_001370404.1); and 1 more.
Identifiers: ClinVar variation 655004 (VCV000655004.10), dbSNP rs1596439233, ClinGen allele CA493043571.
Genomic context (GRCh38, chr16:2,086,318, plus strand): 5'-GGGCCTGGGCCGGCTCATCGAGCTGAAGGACTGCCAGCCGGACAAGGTGTACCTGGGAGG[C>T]CTGGACGTGTGTGGTGAGGACGGCCAGTTCACCTACTGCTGGCACGATGACATCATGCAA-3'
Protein context (NP_000539.2, residues 1586-1606): DCQPDKVYLG[Gly1596=]LDVCGEDGQF